The following is an entry in ClinVar:

ClinVar aggregate classification (germline): Pathogenic (1 of 4 stars; one submission).

Conditions:
Fanconi anemia (FA). Also called: Fanconi's anemia. Identifiers: Orphanet 84, MedGen C0015625, MeSH D005199, MONDO:0019391.

gnomAD v4.1: 1 of 1,611,732 alleles (0.000062%); no homozygotes.

Submission:

Labcorp Genetics (formerly Invitae), Labcorp
Classification: Pathogenic for Fanconi anemia. Last evaluated: 2025-06-30. Review status: criteria provided, single submitter. Criteria: Invitae Variant Classification Sherloc (09022015). Collection method: clinical testing. Allele origin: germline.
Comment: This sequence change creates a premature translational stop signal (p.Gln531*) in the FANCM gene. It is expected to result in an absent or disrupted protein product. Loss-of-function variants in FANCM are known to be pathogenic (PMID: 29895858, 30075111). This variant is not present in population databases (gnomAD no frequency). This variant has not been reported in the literature in individuals affected with FANCM-related conditions. ClinVar contains an entry for this variant (Variation ID: 456252). Algorithms developed to predict the effect of sequence changes on RNA splicing suggest that this variant may create or strengthen a splice site. For these reasons, this variant has been classified as Pathogenic.

Literature cited by the submitters: PubMed 29895858; PubMed 30075111.

NM_020937.4(FANCM):c.1591C>T (p.Gln531Ter)

Gene: FANCM (FA complementation group M; plus strand). Cytogenetic location: 14q21.2.
Variant type: single nucleotide variant.
Coding change: c.1591C>T on transcript NM_020937.4 (MANE Select); coding-DNA position 1591, C replaced by T.
Protein change: p.Gln531Ter; replaces glutamine 531 with a stop codon.
Molecular consequence: nonsense.
Genome position (GRCh38, 1-based): chr14:45,164,368, C>T. VCF-style: chr14-45164368-C-T. GRCh37 (hg19) VCF-style: chr14-45633571-C-T.
Other names: c.1513C>T, p.Gln505Ter (NM_001308133.2); c.1591C>T, p.Gln531Ter (NM_001308134.2); short protein forms Q531*, Q505*.
Identifiers: ClinVar variation 456252 (VCV000456252.8), dbSNP rs1447482674, ClinGen allele CA389593431.